The following is an entry in ClinVar:

NM_000342.4(SLC4A1):c.666G>A (p.Pro222=)

Gene: SLC4A1 (solute carrier family 4 member 1 (Diego blood group); minus strand). Cytogenetic location: 17q21.31.
Variant type: single nucleotide variant.
Coding change: c.666G>A on transcript NM_000342.4 (MANE Select); coding-DNA position 666, G replaced by A.
Protein change: p.Pro222=; no amino-acid change (proline 222 retained).
Molecular consequence: synonymous variant.
Genome position (GRCh38, 1-based): chr17:44,259,525, C>T on the plus strand (G>A on the coding strand, the complement: SLC4A1 is on the minus strand). VCF-style: chr17-44259525-C-T. GRCh37 (hg19) VCF-style: chr17-42336893-C-T.
Identifiers: ClinVar variation 4980187 (VCV004980187.1).

ClinVar aggregate classification (germline): Likely benign (1 of 4 stars; one submission).

Conditions:
SLC4A1-related disorder. Also called: SLC4A1-related condition; SLC4A1-related disorders.

gnomAD v4.1: 67 of 1,613,952 alleles (0.0042%); highest among the groups gnomAD compares: Middle Eastern, 0.016%; no homozygotes.

Submission:

PreventionGenetics, part of Exact Sciences
Classification: Likely benign for SLC4A1-related condition. Last evaluated: 2026-07-23. Review status: criteria provided, single submitter. Criteria: ACMG Guidelines, 2015. Collection method: clinical testing. Allele origin: germline.
Comment: This variant is classified as likely benign based on ACMG/AMP sequence variant interpretation guidelines (Richards et al. 2015 PMID: 25741868, with internal and published modifications).